The following is an entry in ClinVar:

ClinVar aggregate classification (germline): Uncertain significance (1 of 4 stars; one submission).

Conditions:
Gorlin syndrome. Also called: Basal cell nevus syndrome; Nevoid Basal Cell Carcinoma Syndrome. Identifiers: Orphanet 377, MedGen C0004779, MONDO:0007187.

Allele frequency attached by ClinVar (database versions not stated): gnomAD 0.00001.
gnomAD v4.1: 9 of 1,614,098 alleles (0.00056%); highest among the groups gnomAD compares: Non-Finnish European, 0.00076%; no homozygotes.

Submission:

Labcorp Genetics (formerly Invitae), Labcorp
Classification: Uncertain significance for Gorlin syndrome. Last evaluated: 2018-12-29. Review status: criteria provided, single submitter. Criteria: Invitae Variant Classification Sherloc (09022015). Collection method: clinical testing. Allele origin: germline.
Comment: In summary, the available evidence is currently insufficient to determine the role of this variant in disease. Therefore, it has been classified as a Variant of Uncertain Significance. Algorithms developed to predict the effect of missense changes on protein structure and function are either unavailable or do not agree on the potential impact of this missense change (SIFT: "Deleterious"; PolyPhen-2: "Probably Damaging"; Align-GVGD: "Class C0"). This variant has not been reported in the literature in individuals with PTCH2-related conditions. This variant is not present in population databases (ExAC no frequency). This sequence change replaces arginine with glutamine at codon 357 of the PTCH2 protein (p.Arg357Gln). The arginine residue is highly conserved and there is a small physicochemical difference between arginine and glutamine.

NM_003738.5(PTCH2):c.1070G>A (p.Arg357Gln)

Gene: PTCH2 (patched 2; minus strand). Cytogenetic location: 1p34.1.
Variant type: single nucleotide variant.
Coding change: c.1070G>A on transcript NM_003738.5 (MANE Select); coding-DNA position 1070, G replaced by A.
Protein change: p.Arg357Gln; replaces arginine 357 with glutamine.
Molecular consequence: missense variant.
Genome position (GRCh38, 1-based): chr1:44,829,627, C>T on the plus strand (G>A on the coding strand, the complement: PTCH2 is on the minus strand). VCF-style: chr1-44829627-C-T. GRCh37 (hg19) VCF-style: chr1-45295299-C-T.
Other names: c.1070G>A, p.Arg357Gln (NM_001166292.2); short protein forms R357Q.
Identifiers: ClinVar variation 647439 (VCV000647439.9), dbSNP rs746520151, ClinGen allele CA340104644.